The following is an entry in ClinVar:

NM_001148.6(ANK2):c.10264G>A (p.Glu3422Lys)

Gene: ANK2 (ankyrin 2; plus strand). Cytogenetic location: 4q26.
Variant type: single nucleotide variant.
Coding change: c.10264G>A on transcript NM_001148.6 (MANE Select); coding-DNA position 10264, G replaced by A.
Protein change: p.Glu3422Lys; replaces glutamic acid 3422 with lysine.
Molecular consequence: missense variant. On other transcripts: intron variant (68).
Genome position (GRCh38, 1-based): chr4:113,358,882, G>A. VCF-style: chr4-113358882-G-A. GRCh37 (hg19) VCF-style: chr4-114280038-G-A.
Other names: c.10030G>A, p.Glu3344Lys (NM_001386142.1); c.6664G>A, p.Glu2222Lys (NM_001386166.1); c.10405G>A, p.Glu3469Lys (NM_001386174.1); c.10381G>A, p.Glu3461Lys (NM_001386175.1); c.4412-1941G>A (NM_001386186.2, NM_001386148.2); c.4214-1941G>A (NM_001354269.3); c.4292-1941G>A (NM_001386187.2); c.4253-1941G>A (NM_001386147.1); and 36 more; short protein forms E3422K, E3461K, E2222K, E3469K, E3344K.
Identifiers: ClinVar variation 1392101 (VCV001392101.8), dbSNP rs758710640, ClinGen allele CA3052050.
Genomic context (GRCh38, chr4:113,358,882, plus strand): 5'-AAATGCCCAGTAAAAACCCGAAGTTACACTGAGACAGAAACAGAGAGCAGAGAGAGGGCC[G>A]AGGAACTTGAGTTAGAATCAGAAGAAGGGGCCACAAGACCAAAGATACTTACATCCCGAT-3'
Protein context (NP_001139.3, residues 3412-3432): ETETESRERA[Glu3422Lys]ELELESEEGA

ClinVar aggregate classification (germline): Uncertain significance. Review status: criteria provided, multiple submitters, no conflicts (2 of 4 stars). 3 submissions from 3 submitters: Uncertain significance (3). Last evaluated 2025-06-23.

Conditions:
Long QT syndrome (LQTS). Identifiers: MedGen C0023976, MeSH D008133, MONDO:0002442. Disease mechanism: loss of function. Inheritance: Various modes of inheritance.
Cardiovascular phenotype. Identifiers: MedGen CN230736.
Cardiac arrhythmia, ankyrin-B-related. Also called: ANKYRIN-B SYNDROME. Identifiers: Orphanet 101016, Orphanet 768, MedGen C1970119, MONDO:0010958, OMIM 600919.

Allele frequency attached by ClinVar (database versions not stated): ExAC 0.00001; gnomAD exomes 0.00001.
gnomAD v4.1: 13 of 1,614,024 alleles (0.00081%); highest among the groups gnomAD compares: Non-Finnish European, 0.001%; no homozygotes.

Submissions (3):

Ambry Genetics
Classification: Uncertain significance for Cardiovascular phenotype. Last evaluated: 2025-06-23. Review status: criteria provided, single submitter. Criteria: Ambry Variant Classification Scheme 2023. Collection method: clinical testing. Allele origin: germline.
Comment: The p.E3422K variant (also known as c.10264G>A), located in coding exon 38 of the ANK2 gene, results from a G to A substitution at nucleotide position 10264. The glutamic acid at codon 3422 is replaced by lysine, an amino acid with similar properties. This amino acid position is not well conserved in available vertebrate species. In addition, the in silico prediction for this alteration is inconclusive. Based on the available evidence, the clinical significance of this variant remains unclear.

Labcorp Genetics (formerly Invitae), Labcorp
Classification: Uncertain significance for Long QT syndrome. Last evaluated: 2025-06-10. Review status: criteria provided, single submitter. Criteria: Invitae Variant Classification Sherloc (09022015). Collection method: clinical testing. Allele origin: germline.
Comment: This sequence change replaces glutamic acid, which is acidic and polar, with lysine, which is basic and polar, at codon 3422 of the ANK2 protein (p.Glu3422Lys). This variant is present in population databases (rs758710640, gnomAD 0.003%). This variant has not been reported in the literature in individuals affected with ANK2-related conditions. ClinVar contains an entry for this variant (Variation ID: 1392101). An algorithm developed to predict the effect of missense changes on protein structure and function (PolyPhen-2) suggests that this variant is likely to be tolerated. In summary, the available evidence is currently insufficient to determine the role of this variant in disease. Therefore, it has been classified as a Variant of Uncertain Significance.

Fulgent Genetics
Classification: Uncertain significance for Cardiac arrhythmia, ankyrin-B-related. Last evaluated: 2021-07-20. Review status: criteria provided, single submitter. Criteria: ACMG Guidelines, 2015. Collection method: clinical testing. Allele origin: unknown.